The following is an entry in ClinVar:

ClinVar aggregate classification (germline): Uncertain significance (1 of 4 stars; one submission).

Conditions:
Hereditary cancer-predisposing syndrome. Also called: Neoplastic Syndromes, Hereditary; Tumor predisposition; Hereditary Cancer Syndrome; Hereditary neoplastic syndrome. Identifiers: Orphanet 140162, MedGen C0027672, MeSH D009386, MONDO:0015356.

Submission:

Ambry Genetics
Classification: Uncertain significance for Hereditary cancer-predisposing syndrome. Last evaluated: 2024-11-09. Review status: criteria provided, single submitter. Criteria: Ambry Variant Classification Scheme 2023. Collection method: clinical testing. Allele origin: germline.
Comment: The p.S648A variant (also known as c.1942T>G), located in coding exon 19 of the RB1 gene, results from a T to G substitution at nucleotide position 1942. The serine at codon 648 is replaced by alanine, an amino acid with similar properties. This amino acid position is highly conserved in available vertebrate species. In addition, this alteration is predicted to be tolerated by in silico analysis. Based on the available evidence, the clinical significance of this variant remains unclear.

NM_000321.3(RB1):c.1942T>G (p.Ser648Ala)

Gene: RB1 (RB transcriptional corepressor 1; plus strand). Cytogenetic location: 13q14.2.
Variant type: single nucleotide variant.
Coding change: c.1942T>G on transcript NM_000321.3 (MANE Select); coding-DNA position 1942, T replaced by G.
Protein change: p.Ser648Ala; replaces serine 648 with alanine.
Molecular consequence: missense variant.
Genome position (GRCh38, 1-based): chr13:48,456,331, T>G. VCF-style: chr13-48456331-T-G. GRCh37 (hg19) VCF-style: chr13-49030467-T-G.
Other names: c.1942T>G, p.Ser648Ala (NM_001407165.1); short protein forms S648A.
Identifiers: ClinVar variation 3430913 (VCV003430913.1).